The following is an entry in ClinVar:

ClinVar aggregate classification (germline): Uncertain significance (1 of 4 stars; one submission).

Conditions:
Dilated cardiomyopathy 1G (CMD1G). Identifiers: Orphanet 154, MedGen C1858763, MONDO:0011400, OMIM 604145.
Autosomal recessive limb-girdle muscular dystrophy type 2J (LGMDR10). Also called: MUSCULAR DYSTROPHY, LIMB-GIRDLE, AUTOSOMAL RECESSIVE 10; Limb-girdle muscular dystrophy, type 2J. Identifiers: Orphanet 140922, MedGen C1837342, MONDO:0012127, OMIM 608807.

Allele frequency attached by ClinVar (database versions not stated): gnomAD exomes below 0.00001.
gnomAD v4.1: 3 of 1,612,622 alleles (0.00019%); highest among the groups gnomAD compares: Non-Finnish European, 0.000085%; no homozygotes.

Submission:

Labcorp Genetics (formerly Invitae), Labcorp
Classification: Uncertain significance for Dilated cardiomyopathy 1G; Autosomal recessive limb-girdle muscular dystrophy type 2J. Last evaluated: 2025-11-09. Review status: criteria provided, single submitter. Criteria: Invitae Variant Classification Sherloc (09022015). Collection method: clinical testing. Allele origin: germline.
Comment: This sequence change replaces glutamic acid, which is acidic and polar, with glutamine, which is neutral and polar, at codon 35554 of the TTN protein (p.Glu35554Gln). This variant is not present in population databases (gnomAD no frequency). This variant has not been reported in the literature in individuals affected with TTN-related conditions. ClinVar contains an entry for this variant (Variation ID: 1383224). Experimental studies and prediction algorithms are not available or were not evaluated, and the functional significance of this variant is currently unknown. This variant is located in the M band of TTN (PMID: 25589632). Non-truncating variants in this region may be relevant for neuromuscular disorders, but have not been definitively shown to cause cardiomyopathy (PMID: 23975875). In summary, the available evidence is currently insufficient to determine the role of this variant in disease. Therefore, it has been classified as a Variant of Uncertain Significance.

Literature cited by the submitters: PubMed 25589632; PubMed 23975875.

NM_001267550.2(TTN):c.106660G>C (p.Glu35554Gln)

Genes: TTN (titin; minus strand), TTN-AS1 (TTN antisense RNA 1; plus strand). Cytogenetic location: 2q31.2.
Variant type: single nucleotide variant.
Coding change: c.106660G>C on transcript NM_001267550.2 (MANE Select); coding-DNA position 106660, G replaced by C.
Protein change: p.Glu35554Gln; replaces glutamic acid 35554 with glutamine.
Molecular consequence: missense variant.
Genome position (GRCh38, 1-based): chr2:178,529,091, C>G on the plus strand (G>C on the coding strand, the complement: TTN is on the minus strand). VCF-style: chr2-178529091-C-G. GRCh37 (hg19) VCF-style: chr2-179393818-C-G.
Other names: c.101737G>C, p.Glu33913Gln (NM_001256850.1); c.79465G>C, p.Glu26489Gln (NM_003319.4); c.98956G>C, p.Glu32986Gln (NM_133378.4); c.79840G>C, p.Glu26614Gln (NM_133432.3); c.80041G>C, p.Glu26681Gln (NM_133437.4); short protein forms E26614Q, E26681Q, E26489Q, E32986Q, E33913Q, E35554Q.
Identifiers: ClinVar variation 1383224 (VCV001383224.6), dbSNP rs1165517840, ClinGen allele CA349403794.